The following is an entry in ClinVar:

NM_020320.5(RARS2):c.1413C>G (p.His471Gln)

Gene: RARS2 (arginyl-tRNA synthetase 2, mitochondrial; minus strand). Cytogenetic location: 6q15.
Variant type: single nucleotide variant.
Coding change: c.1413C>G on transcript NM_020320.5 (MANE Select); coding-DNA position 1413, C replaced by G.
Protein change: p.His471Gln; replaces histidine 471 with glutamine.
Molecular consequence: missense variant. On other transcripts: non-coding transcript variant (23).
Genome position (GRCh38, 1-based): chr6:87,518,632, G>C on the plus strand (C>G on the coding strand, the complement: RARS2 is on the minus strand). VCF-style: chr6-87518632-G-C. GRCh37 (hg19) VCF-style: chr6-88228350-G-C.
Other names: c.888C>G, p.His296Gln (NM_001318785.2, NM_001350506.2, NM_001350507.2 and 4 more transcripts); c.1413C>G, p.His471Gln (NM_001350505.2); short protein forms H296Q, H471Q.
Identifiers: ClinVar variation 1219260 (VCV001219260.12), dbSNP rs187815721, ClinGen allele CA3916295.

ClinVar aggregate classification (germline): Conflicting classifications of pathogenicity. Review status: criteria provided, conflicting classifications (1 of 4 stars). 4 submissions from 4 submitters: Uncertain significance (2); Likely benign (1). 1 of the submissions does not count toward it. Last evaluated 2026-09-24.

Conditions:
Pontocerebellar hypoplasia type 6 (PCH6). Identifiers: Orphanet 166073, MedGen C1969084, MONDO:0012683, OMIM 611523.
Inborn genetic diseases. Identifiers: MedGen C0950123, MeSH D030342.

Allele frequency attached by ClinVar (database versions not stated): gnomAD 0.00016; ESP Exome Variant Server 0.00015; 1000 Genomes Project 30x 0.00016; TOPMed 0.00015; 1000 Genomes Project 0.00020.
gnomAD v4.1: 39 of 1,610,938 alleles (0.0024%); highest among the groups gnomAD compares: African/African-American, 0.037%; no homozygotes.

Submissions (4):

GeneDx
Classification: Uncertain significance. Last evaluated: 2026-09-24. Review status: criteria provided, single submitter. Criteria: GeneDx Variant Classification Process June 2021. Collection method: clinical testing. Allele origin: germline.
Comment: In silico analysis suggests that this missense variant does not alter protein structure/function; Has not been previously published as pathogenic or benign to our knowledge

Labcorp Genetics (formerly Invitae), Labcorp
Classification: Likely benign. Last evaluated: 2026-01-24. Review status: criteria provided, single submitter. Criteria: Invitae Variant Classification Sherloc (09022015). Collection method: clinical testing. Allele origin: germline.

Ambry Genetics
Classification: Uncertain significance for Inborn genetic diseases. Last evaluated: 2023-12-08. Review status: criteria provided, single submitter. Criteria: Ambry Variant Classification Scheme 2023. Collection method: clinical testing. Allele origin: germline.

Natera, Inc.
Classification: Uncertain significance for Pontocerebellar hypoplasia, type 6. Last evaluated: 2020-02-21. Review status: no assertion criteria provided. Collection method: clinical testing. Allele origin: germline. Not counted in ClinVar's aggregate classification.